The following is an entry in ClinVar:

ClinVar aggregate classification (germline): Uncertain significance (1 of 4 stars; one submission).

Allele frequency attached by ClinVar (database versions not stated): gnomAD exomes below 0.00001; TOPMed below 0.00001; ExAC 0.00001; gnomAD 0.00001.
gnomAD v4.1: 3 of 1,613,334 alleles (0.00019%); highest among the groups gnomAD compares: East Asian, 0.0022%; no homozygotes.

Submission:

Labcorp Genetics (formerly Invitae), Labcorp
Classification: Uncertain significance. Last evaluated: 2022-06-21. Review status: criteria provided, single submitter. Criteria: Invitae Variant Classification Sherloc (09022015). Collection method: clinical testing. Allele origin: germline.
Comment: This sequence change replaces glycine, which is neutral and non-polar, with arginine, which is basic and polar, at codon 48 of the MTMR14 protein (p.Gly48Arg). This variant is not present in population databases (gnomAD no frequency). This variant has not been reported in the literature in individuals affected with MTMR14-related conditions. Algorithms developed to predict the effect of missense changes on protein structure and function are either unavailable or do not agree on the potential impact of this missense change (SIFT: "Deleterious"; PolyPhen-2: "Probably Damaging"; Align-GVGD: "Class C15"). In summary, the available evidence is currently insufficient to determine the role of this variant in disease. Therefore, it has been classified as a Variant of Uncertain Significance.

NM_001077525.3(MTMR14):c.142G>A (p.Gly48Arg)

Gene: MTMR14 (myotubularin related protein 14; plus strand). Cytogenetic location: 3p25.3.
Variant type: single nucleotide variant.
Coding change: c.142G>A on transcript NM_001077525.3 (MANE Select); coding-DNA position 142, G replaced by A.
Protein change: p.Gly48Arg; replaces glycine 48 with arginine.
Molecular consequence: missense variant. On other transcripts: synonymous variant (7), 5 prime UTR variant (16), non-coding transcript variant (9).
Genome position (GRCh38, 1-based): chr3:9,649,725, G>A. VCF-style: chr3-9649725-G-A. GRCh37 (hg19) VCF-style: chr3-9691409-G-A.
Other names: c.142G>A, p.Gly48Arg (NM_001077526.3, NM_001400519.1, NM_001400520.1 and 9 more transcripts); c.9G>A, p.Ala3= (NM_001400518.1, NM_001400521.1, NM_001400525.1 and 4 more transcripts); c.-364G>A (NM_001400533.1, NM_001400539.1, NM_001400545.1); c.-425G>A (NM_001400534.1, NM_001400538.1, NM_001400541.1 and 2 more transcripts); c.-215G>A (NM_001400535.1); c.-392G>A (NM_001400540.1); c.-627G>A (NM_001400542.1); c.-186G>A (NM_001400543.1); and 4 more; short protein forms G48R.
Identifiers: ClinVar variation 2166270 (VCV002166270.4), dbSNP rs756733484, ClinGen allele CA2240146.